The following is an entry in ClinVar:

ClinVar aggregate classification (germline): Uncertain significance (1 of 4 stars; one submission).

Submission:

Labcorp Genetics (formerly Invitae), Labcorp
Classification: Uncertain significance. Last evaluated: 2024-02-24. Review status: criteria provided, single submitter. Criteria: Invitae Variant Classification Sherloc (09022015). Collection method: clinical testing. Allele origin: germline.
Comment: This sequence change replaces lysine, which is basic and polar, with asparagine, which is neutral and polar, at codon 732 of the CDHR1 protein (p.Lys732Asn). This variant is not present in population databases (gnomAD no frequency). This variant has not been reported in the literature in individuals affected with CDHR1-related conditions. ClinVar contains an entry for this variant (Variation ID: 2042398). Advanced modeling of protein sequence and biophysical properties (such as structural, functional, and spatial information, amino acid conservation, physicochemical variation, residue mobility, and thermodynamic stability) performed at Invitae indicates that this missense variant is not expected to disrupt CDHR1 protein function with a negative predictive value of 80%. In summary, the available evidence is currently insufficient to determine the role of this variant in disease. Therefore, it has been classified as a Variant of Uncertain Significance.

NM_033100.4(CDHR1):c.2196G>C (p.Lys732Asn)

Gene: CDHR1 (cadherin related family member 1; plus strand). Cytogenetic location: 10q23.1.
Variant type: single nucleotide variant.
Coding change: c.2196G>C on transcript NM_033100.4 (MANE Select); coding-DNA position 2196, G replaced by C.
Protein change: p.Lys732Asn; replaces lysine 732 with asparagine.
Molecular consequence: missense variant. On other transcripts: intron variant (1).
Genome position (GRCh38, 1-based): chr10:84,214,237, G>C. VCF-style: chr10-84214237-G-C. GRCh37 (hg19) VCF-style: chr10-85973993-G-C.
Other names: c.2040+889G>C (NM_001171971.3); short protein forms K732N.
Identifiers: ClinVar variation 2042398 (VCV002042398.4), dbSNP rs2492549215, ClinGen allele CA377379473.